The following is an entry in ClinVar:

NM_006348.3(COG5):c.4G>T

Genes: DUS4L-BCAP29 (DUS4L-BCAP29 readthrough; plus strand), COG5 (component of oligomeric golgi complex 5; minus strand), DUS4L (dihydrouridine synthase 4 like; plus strand). Cytogenetic location: 7q22.3.
Variant type: single nucleotide variant.
Coding change: c.4G>T on transcript NM_006348.3; coding-DNA position 4, G replaced by T.
Molecular consequence: 5 prime UTR variant (on NM_181581.3). On other transcripts: non-coding transcript variant (7).
Genome position (GRCh38, 1-based): chr7:107,563,986, C>A on the plus strand (G>T on the coding strand, the complement: COG5 is on the minus strand). VCF-style: chr7-107563986-C-A. GRCh37 (hg19) VCF-style: chr7-107204431-C-A.
Other names: c.-184C>A (NM_001270419.2); c.-334C>A (NM_181581.3, NM_001371364.2, NM_001371366.2); c.-372C>A (NM_001371365.2); c.-245C>A (NM_001371367.2).
Identifiers: ClinVar variation 4995895 (VCV004995895.1).
Genomic context (GRCh38, chr7:107,563,986, plus strand): 5'-CAGCAGAACGGCTCCGCCCAGGTGGTGACGCAGAATCCCGGCGCCGCCCGCCCACCCAGC[C>A]CATGGCTCCAGGCCCACCTGGCGAACTGACTCTCAGCCCGCGCCTGGGCTAAGCCTGGCT-3'

ClinVar aggregate classification (germline): Uncertain significance (1 of 4 stars; one submission).

Conditions:
COG5-related disorder. Also called: COG5-related condition.

Submission:

PreventionGenetics, part of Exact Sciences
Classification: Uncertain significance for COG5-related condition. Last evaluated: 2026-04-01. Review status: criteria provided, single submitter. Criteria: ACMG Guidelines, 2015. Collection method: clinical testing. Allele origin: germline.
Comment: The COG5 c.4G>T variant is predicted to result in the amino acid substitution p.Gly2Cys. To our knowledge, this variant has not been reported in the literature or in a large population database (gnomAD), indicating this variant is rare. At this time, the clinical significance of this variant is uncertain due to the absence of conclusive functional and genetic evidence.